The following is an entry in ClinVar:

NM_000276.4(OCRL):c.1691_1694del (p.Pro563_Ser564insTer)

Gene: OCRL (OCRL inositol polyphosphate-5-phosphatase; plus strand). Cytogenetic location: Xq26.1.
Variant type: Microsatellite.
Coding change: c.1691_1694del on transcript NM_000276.4 (MANE Select); coding-DNA positions 1691 to 1694, 4 bases deleted (CCTT; older notation c.1691_1694delCCTT).
Protein change: p.Pro563_Ser564insTer.
Molecular consequence: nonsense.
Genome position (GRCh38, 1-based): chrX:129,575,228-129,575,231, CCTT deleted; deleting any 4 consecutive bases within chrX:129,575,217-129,575,231 gives the same sequence; the c. name uses the placement nearest the transcript's 3' end. VCF-style (leftmost placement, unchanged base first): chrX-129575216-ACTTC-A. GRCh37 (hg19) VCF-style: chrX-128709193-ACTTC-A.
Other names: c.1694_1697del, p.Pro564_Ser565insTer (NM_001318784.2); c.1691_1694del, p.Pro563_Ser564insTer (NM_001587.4).
Identifiers: ClinVar variation 4282182 (VCV004282182.1).
Genomic context (GRCh38, chrX:129,575,216, plus strand): 5'-AACGAAGGTACCGGAAAGTCTTTGAAGATAGTGTACGCATCATGGACAGAATGGAAAATG[ACTTC>A]CTTCCTTCCTTAGAACTCAGCAGGAGGGAGGTGAGCAAAAATACATGATCTCCCTGTCTA-3'

ClinVar aggregate classification (germline): Pathogenic (1 of 4 stars; one submission).

Submission:

GeneDx
Classification: Pathogenic. Last evaluated: 2025-04-09. Review status: criteria provided, single submitter. Criteria: GeneDx Variant Classification Process June 2021. Collection method: clinical testing. Allele origin: germline. Affected: yes.
Comment: Reported in one proband with OCRL-related Lowe syndrome; however, detailed clinical information was not provided (PMID: 10364518); Nonsense variant predicted to result in protein truncation or nonsense mediated decay in a gene for which loss of function is a known mechanism of disease; Not observed at significant frequency in large population cohorts (gnomAD); Also known as 1856delCTTC or 1859delCCTT; This variant is associated with the following publications: (PMID: 10364518, 33726816)